The following is an entry in ClinVar:

ClinVar aggregate classification (germline): Uncertain significance (1 of 4 stars; one submission).

Conditions:
Myoclonic dystonia 26. Identifiers: MedGen C4225341, MONDO:0014620, OMIM 616398.

Submission:

Labcorp Genetics (formerly Invitae), Labcorp
Classification: Uncertain significance for Myoclonic dystonia 26. Last evaluated: 2024-08-31. Review status: criteria provided, single submitter. Criteria: Invitae Variant Classification Sherloc (09022015). Collection method: clinical testing. Allele origin: germline.
Comment: This variant, c.686_694del, results in the deletion of 3 amino acid(s) of the KCTD17 protein (p.Glu229_Glu231del), but otherwise preserves the integrity of the reading frame. The frequency data for this variant in the population databases is considered unreliable, as metrics indicate poor data quality at this position in the gnomAD database. This variant has not been reported in the literature in individuals affected with KCTD17-related conditions. Experimental studies and prediction algorithms are not available or were not evaluated, and the functional significance of this variant is currently unknown. In summary, the available evidence is currently insufficient to determine the role of this variant in disease. Therefore, it has been classified as a Variant of Uncertain Significance.

NM_001282684.2(KCTD17):c.656AGGTGGAGG[1] (p.219EVE[1])

Gene: KCTD17 (potassium channel tetramerization domain containing 17; plus strand). Cytogenetic location: 22q12.3.
Variant type: Microsatellite.
Coding change: c.656AGGTGGAGG[1] on transcript NM_001282684.2 (MANE Select); one copy of the 9-base unit AGGTGGAGG starting at c.656; the reference has two copies in a row; one copy, 9 bases deleted.
Protein change: p.219EVE[1].
Molecular consequence: inframe deletion. On other transcripts: intron variant (2).
Genome position (GRCh38, 1-based): chr22:37,060,875-37,060,883, AGGTGGAGG deleted; deleting any 9 consecutive bases within chr22:37,060,861-37,060,883 gives the same sequence; the position shown is the placement nearest the transcript's 3' end. VCF-style (leftmost placement, unchanged base first): chr22-37060860-AGGAGGAGGT-A. GRCh37 (hg19) VCF-style: chr22-37456900-AGGAGGAGGT-A.
Other names: c.656AGGTGGAGG[1], p.219EVE[1] (NM_024681.4); c.613-664_613-656del (NM_001282685.2); c.612+1437_612+1445del (NM_001282686.2).
Identifiers: ClinVar variation 2051515 (VCV002051515.4), dbSNP rs1030764419, ClinGen allele CA324037076.